The following is an entry in ClinVar:

ClinVar aggregate classification (germline): Uncertain significance. Review status: criteria provided, multiple submitters, no conflicts (2 of 4 stars). 3 submissions from 3 submitters: Uncertain significance (2). 1 of the submissions does not count toward it. Last evaluated 2024-06-18.

Conditions:
IQSEC2-related disorder. Also called: IQSEC2-related condition.
Intellectual developmental disorder, X-linked 1. Also called: Intellectual disability, X-linked 1; Atkin Flaitz Patil Smith syndrome; MENTAL RETARDATION, X-LINKED 18; MENTAL RETARDATION, X-LINKED 78. Identifiers: Orphanet 777, MedGen C2931498, MONDO:0010656, OMIM 309530.

Allele frequency attached by ClinVar (database versions not stated): TOPMed 0.00001; gnomAD exomes 0.00001; gnomAD 0.00001.
gnomAD v4.1: 14 of 1,156,366 alleles (0.0012%); highest among the groups gnomAD compares: Non-Finnish European, 0.0016%; no homozygotes.

Submissions (3):

Labcorp Genetics (formerly Invitae), Labcorp
Classification: Uncertain significance for Intellectual developmental disorder, X-linked 1. Last evaluated: 2024-06-18. Review status: criteria provided, single submitter. Criteria: Invitae Variant Classification Sherloc (09022015). Collection method: clinical testing. Allele origin: germline.
Comment: This sequence change replaces arginine, which is basic and polar, with glutamine, which is neutral and polar, at codon 42 of the IQSEC2 protein (p.Arg42Gln). This variant is not present in population databases (gnomAD no frequency). This variant has not been reported in the literature in individuals affected with IQSEC2-related conditions. ClinVar contains an entry for this variant (Variation ID: 1465223). Advanced modeling of protein sequence and biophysical properties (such as structural, functional, and spatial information, amino acid conservation, physicochemical variation, residue mobility, and thermodynamic stability) performed at Invitae indicates that this missense variant is not expected to disrupt IQSEC2 protein function with a negative predictive value of 95%. In summary, the available evidence is currently insufficient to determine the role of this variant in disease. Therefore, it has been classified as a Variant of Uncertain Significance.

GeneDx
Classification: Uncertain significance. Last evaluated: 2022-07-29. Review status: criteria provided, single submitter. Criteria: GeneDx Variant Classification Process June 2021. Collection method: clinical testing. Allele origin: germline. Affected: yes.
Comment: Not observed at significant frequency in large population cohorts (gnomAD); In silico analysis supports that this missense variant does not alter protein structure/function; Has not been previously published as pathogenic or benign to our knowledge

PreventionGenetics, part of Exact Sciences
Classification: Uncertain significance for IQSEC2-related condition. Last evaluated: 2024-01-18. Review status: no assertion criteria provided. Collection method: clinical testing. Allele origin: germline. Not counted in ClinVar's aggregate classification.
Comment: The IQSEC2 c.125G>A variant is predicted to result in the amino acid substitution p.Arg42Gln. To our knowledge, this variant has not been reported in the literature or in a large population database, indicating this variant is rare. At this time, the clinical significance of this variant is uncertain due to the absence of conclusive functional and genetic evidence.

NM_001111125.3(IQSEC2):c.125G>A (p.Arg42Gln)

Gene: IQSEC2 (IQ motif and Sec7 domain ArfGEF 2; minus strand). Cytogenetic location: Xp11.22.
Variant type: single nucleotide variant.
Coding change: c.125G>A on transcript NM_001111125.3 (MANE Select); coding-DNA position 125, G replaced by A.
Protein change: p.Arg42Gln; replaces arginine 42 with glutamine.
Molecular consequence: missense variant.
Genome position (GRCh38, 1-based): chrX:53,320,999, C>T on the plus strand (G>A on the coding strand, the complement: IQSEC2 is on the minus strand). VCF-style: chrX-53320999-C-T. GRCh37 (hg19) VCF-style: chrX-53350197-C-T.
Other names: c.125G>A (NM_001111125.2); short protein forms R42Q.
Identifiers: ClinVar variation 1465223 (VCV001465223.10), dbSNP rs1397379867, ClinGen allele CA413240054.